The following is an entry in ClinVar:

NM_001350162.2(TEX15):c.2574_2581del (p.Thr859fs)

Gene: TEX15 (testis expressed 15, meiosis and synapsis associated; minus strand). Cytogenetic location: 8p12.
Variant type: Deletion.
Coding change: c.2574_2581del on transcript NM_001350162.2 (MANE Select); coding-DNA positions 2574 to 2581, 8 bases deleted (AACAGATA; older notation c.2574_2581delAACAGATA).
Protein change: p.Thr859fs; shifts the reading frame from threonine 859.
Molecular consequence: frameshift variant.
Genome position (GRCh38, 1-based): chr8:30,847,586-30,847,593, TATCTGTT deleted on the plus strand (AACAGATA on the coding strand, the reverse complement: TEX15 is on the minus strand); deleting any 8 consecutive bases within chr8:30,847,586-30,847,594 gives the same sequence; the c. name uses the placement nearest the transcript's 3' end. VCF-style (leftmost placement, unchanged base first): chr8-30847585-CTATCTGTT-C. GRCh37 (hg19) VCF-style: chr8-30705101-CTATCTGTT-C.
Other names: c.1425_1432delAACAGATA (NM_031271.3); short protein forms T859fs.
Identifiers: ClinVar variation 835432 (VCV000835432.6), dbSNP rs762458625, ClinGen allele CA4703407.

ClinVar aggregate classification (germline): Pathogenic (1 of 4 stars; one submission).

Submission:

Labcorp Genetics (formerly Invitae), Labcorp
Classification: Pathogenic. Last evaluated: 2019-02-08. Review status: criteria provided, single submitter. Criteria: Invitae Variant Classification Sherloc (09022015). Collection method: clinical testing. Allele origin: germline.
Comment: This sequence change creates a premature translational stop signal (p.Thr476Argfs*5) in the TEX15 gene. It is expected to result in an absent or disrupted protein product. The frequency data for this variant in the population databases is considered unreliable, as metrics indicate poor data quality at this position in the ExAC database. This variant has not been reported in the literature in individuals with TEX15-related disease. Loss-of-function variants in TEX15 are known to be pathogenic (PMID: 26199321, 28303806). For these reasons, this variant has been classified as Pathogenic.

Literature cited by the submitters: PubMed 26199321; PubMed 28303806.